The following is an entry in ClinVar:

ClinVar aggregate classification (germline): Uncertain significance (1 of 4 stars; one submission).

Conditions:
Charcot-Marie-Tooth disease axonal type 2L. Also called: Charcot-Marie-Tooth Neuropathy Type 2L; CHARCOT-MARIE-TOOTH DISEASE, AXONAL, AUTOSOMAL DOMINANT, TYPE 2L; CHARCOT-MARIE-TOOTH NEUROPATHY, AXONAL, TYPE 2L. Identifiers: Orphanet 99945, MedGen C1837552, MONDO:0012096, OMIM 608673.

Submission:

Labcorp Genetics (formerly Invitae), Labcorp
Classification: Uncertain significance for Charcot-Marie-Tooth disease axonal type 2L. Last evaluated: 2018-03-10. Review status: criteria provided, single submitter. Criteria: Invitae Variant Classification Sherloc (09022015). Collection method: clinical testing. Allele origin: germline.
Comment: Algorithms developed to predict the effect of missense changes on protein structure and function (SIFT, PolyPhen-2, Align-GVGD) all suggest that this variant is likely to be disruptive, but these predictions have not been confirmed by published functional studies and their clinical significance is uncertain. In summary, the available evidence is currently insufficient to determine the role of this variant in disease. Therefore, it has been classified as a Variant of Uncertain Significance. This variant has not been reported in the literature in individuals with HSPB8-related disease. This variant is not present in population databases (ExAC no frequency). This sequence change replaces proline with arginine at codon 146 of the HSPB8 protein (p.Pro146Arg). The proline residue is highly conserved and there is a moderate physicochemical difference between proline and arginine.

NM_014365.3(HSPB8):c.437C>G (p.Pro146Arg)

Gene: HSPB8 (heat shock protein family B (small) member 8; plus strand). Cytogenetic location: 12q24.23.
Variant type: single nucleotide variant.
Coding change: c.437C>G on transcript NM_014365.3 (MANE Select); coding-DNA position 437, C replaced by G.
Protein change: p.Pro146Arg; replaces proline 146 with arginine.
Molecular consequence: missense variant.
Genome position (GRCh38, 1-based): chr12:119,193,704, C>G. VCF-style: chr12-119193704-C-G. GRCh37 (hg19) VCF-style: chr12-119631509-C-G.
Other names: short protein forms P146R.
Identifiers: ClinVar variation 568122 (VCV000568122.8), dbSNP rs1565930539, ClinGen allele CA386531738.